The following is an entry in ClinVar:

ClinVar aggregate classification (germline): Benign/Likely benign. Review status: criteria provided, multiple submitters, no conflicts (2 of 4 stars). 6 submissions from 6 submitters: Benign (5); Likely benign (1). Last evaluated 2026-01-14.

Conditions:
Anophthalmia/microphthalmia-esophageal atresia syndrome (MCOPS3). Also called: AEG SYNDROME; SOX2 Disorder; MICROPHTHALMIA AND ESOPHAGEAL ATRESIA SYNDROME. Identifiers: Orphanet 77298, MedGen C1859773, MONDO:0008799, OMIM 206900.

Allele frequency attached by ClinVar (database versions not stated): ExAC 0.00166; 1000 Genomes Project 0.00359; 1000 Genomes Project 30x 0.00437; gnomAD 0.00456 and 0.00491; TOPMed 0.00481; ESP Exome Variant Server 0.00502.

Submissions (6):

Labcorp Genetics (formerly Invitae), Labcorp
Classification: Benign for Anophthalmia/microphthalmia-esophageal atresia syndrome. Last evaluated: 2026-01-14. Review status: criteria provided, single submitter. Criteria: Invitae Variant Classification Sherloc (09022015). Collection method: clinical testing. Allele origin: germline.

Mayo Clinic Laboratories, Mayo Clinic
Classification: Benign. Last evaluated: 2024-11-26. Review status: criteria provided, single submitter. Criteria: ACMG Guidelines, 2015. Collection method: clinical testing. Allele origin: germline. Observed: 2 variant alleles.
Comment: BS1, BS2, BP4, BP7

Blueprint Genetics
Classification: Likely benign. Last evaluated: 2024-09-06. Review status: criteria provided, single submitter. Criteria: ACMG Guidelines, 2015. Collection method: clinical testing. Allele origin: germline.

GeneDx
Classification: Benign. Last evaluated: 2019-01-08. Review status: criteria provided, single submitter. Criteria: GeneDx Variant Classification Process June 2021. Collection method: clinical testing. Allele origin: germline. Affected: yes.
Comment: This variant is associated with the following publications: (PMID: 20454695)

Eurofins Ntd Llc (ga)
Classification: Benign. Last evaluated: 2014-05-14. Review status: criteria provided, single submitter. Criteria: EGL Classification Definitions 2015. Collection method: clinical testing. Allele origin: germline. Observed: 1 variant allele, 1 heterozygote.

Breakthrough Genomics
Classification: Benign. Review status: criteria provided, single submitter. Criteria: ACMG Guidelines, 2015. Collection method: not provided. Allele origin: germline. Inheritance: Autosomal dominant inheritance. Affected: yes.

NM_003106.4(SOX2):c.453G>A (p.Ala151=)

Genes: SOX2 (SRY-box transcription factor 2; plus strand), SOX2-OT (SOX2 overlapping transcript; plus strand), LOC108281177 (SOX2 5' regulatory region; plus strand). Cytogenetic location: 3q26.33.
Variant type: single nucleotide variant.
Coding change: c.453G>A on transcript NM_003106.4 (MANE Select); coding-DNA position 453, G replaced by A.
Protein change: p.Ala151=; no amino-acid change (alanine 151 retained).
Molecular consequence: synonymous variant.
Genome position (GRCh38, 1-based): chr3:181,712,813, G>A. VCF-style: chr3-181712813-G-A. GRCh37 (hg19) VCF-style: chr3-181430601-G-A.
Other names: p.Ala151=.
Identifiers: ClinVar variation 193251 (VCV000193251.21), dbSNP rs74480245, ClinGen allele CA200439.